The following is an entry in ClinVar:

NM_017654.4(SAMD9):c.2281G>T (p.Ala761Ser)

Gene: SAMD9 (sterile alpha motif domain containing 9; minus strand). Cytogenetic location: 7q21.2.
Variant type: single nucleotide variant.
Coding change: c.2281G>T on transcript NM_017654.4 (MANE Select); coding-DNA position 2281, G replaced by T.
Protein change: p.Ala761Ser; replaces alanine 761 with serine.
Molecular consequence: missense variant.
Genome position (GRCh38, 1-based): chr7:93,103,817, C>A on the plus strand (G>T on the coding strand, the complement: SAMD9 is on the minus strand). VCF-style: chr7-93103817-C-A. GRCh37 (hg19) VCF-style: chr7-92733130-C-A.
Other names: c.2281G>T, p.Ala761Ser (NM_001193307.2); short protein forms A761S.
Identifiers: ClinVar variation 3791925 (VCV003791925.1).

ClinVar aggregate classification (germline): Uncertain significance (1 of 4 stars; one submission).

Conditions:
Inborn genetic diseases. Identifiers: MedGen C0950123, MeSH D030342.

Submission:

Ambry Genetics
Classification: Uncertain significance for Inborn genetic diseases. Last evaluated: 2024-12-20. Review status: criteria provided, single submitter. Criteria: Ambry Variant Classification Scheme 2023. Collection method: clinical testing. Allele origin: germline.
Comment: The p.A761S variant (also known as c.2281G>T), located in coding exon 1 of the SAMD9 gene, results from a G to T substitution at nucleotide position 2281. The alanine at codon 761 is replaced by serine, an amino acid with similar properties. This amino acid position is conserved. In addition, the in silico prediction for this alteration is inconclusive. Based on the available evidence, the clinical significance of this variant remains unclear.